The following is an entry in ClinVar:

ClinVar aggregate classification (germline): Uncertain significance (1 of 4 stars; one submission).

Conditions:
Atrioventricular septal defect 4 (AVSD4). Identifiers: MedGen C3280781, MONDO:0013747, OMIM 614430.

Allele frequency attached by ClinVar (database versions not stated): gnomAD exomes 0.00002; ExAC 0.00010.
gnomAD v4.1: 8 of 1,516,890 alleles (0.00053%); highest among the groups gnomAD compares: South Asian, 0.0097%; no homozygotes.

Submission:

Labcorp Genetics (formerly Invitae), Labcorp
Classification: Uncertain significance for Atrioventricular septal defect 4. Last evaluated: 2023-07-18. Review status: criteria provided, single submitter. Criteria: Invitae Variant Classification Sherloc (09022015). Collection method: clinical testing. Allele origin: germline.
Comment: Advanced modeling of protein sequence and biophysical properties (such as structural, functional, and spatial information, amino acid conservation, physicochemical variation, residue mobility, and thermodynamic stability) performed at Invitae indicates that this missense variant is not expected to disrupt GATA4 protein function. In summary, the available evidence is currently insufficient to determine the role of this variant in disease. Therefore, it has been classified as a Variant of Uncertain Significance. ClinVar contains an entry for this variant (Variation ID: 1520081). This variant has not been reported in the literature in individuals affected with GATA4-related conditions. This variant is present in population databases (rs763895652, gnomAD 0.009%). This sequence change replaces serine, which is neutral and polar, with threonine, which is neutral and polar, at codon 186 of the GATA4 protein (p.Ser186Thr).

NM_001308093.3(GATA4):c.557G>C (p.Ser186Thr)

Gene: GATA4 (GATA binding protein 4). Cytogenetic location: 8p23.1.
Variant type: single nucleotide variant.
Coding change: c.557G>C on transcript NM_001308093.3 (MANE Select); coding-DNA position 557, G replaced by C.
Protein change: p.Ser186Thr; replaces serine 186 with threonine.
Molecular consequence: missense variant. On other transcripts: intron variant (3).
Genome position (GRCh38, 1-based): chr8:11,708,869, G>C. VCF-style: chr8-11708869-G-C. GRCh37 (hg19) VCF-style: chr8-11566378-G-C.
Other names: c.557G>C, p.Ser186Thr (NM_002052.5); c.-6+8091G>C (NM_001308094.2); c.-3+855G>C (NM_001374274.1); c.-3+4565G>C (NM_001374273.1); short protein forms S186T.
Identifiers: ClinVar variation 1520081 (VCV001520081.8), dbSNP rs763895652, ClinGen allele CA4630632.